The following is an entry in ClinVar:

NM_177438.3(DICER1):c.163G>A (p.Ala55Thr)

Gene: DICER1 (dicer 1, ribonuclease III; minus strand). Cytogenetic location: 14q32.13.
Variant type: single nucleotide variant.
Coding change: c.163G>A on transcript NM_177438.3 (MANE Select); coding-DNA position 163, G replaced by A.
Protein change: p.Ala55Thr; replaces alanine 55 with threonine.
Molecular consequence: missense variant.
Genome position (GRCh38, 1-based): chr14:95,132,659, C>T on the plus strand (G>A on the coding strand, the complement: DICER1 is on the minus strand). VCF-style: chr14-95132659-C-T. GRCh37 (hg19) VCF-style: chr14-95598996-C-T.
Other names: c.163G>A, p.Ala55Thr (NM_001195573.1, NM_001271282.3, NM_001291628.2 and 1 more transcripts); short protein forms A55T.
Identifiers: ClinVar variation 477050 (VCV000477050.10), dbSNP rs769164427, ClinGen allele CA390890114.

ClinVar aggregate classification (germline): Uncertain significance (1 of 4 stars; one submission).

Conditions:
DICER1-related tumor predisposition. Also called: DICER1-related pleuropulmonary blastoma cancer predisposition syndrome; DICER1 syndrome. Identifiers: Orphanet 284343, MedGen C3839822, MONDO:0100216.

Submission:

Labcorp Genetics (formerly Invitae), Labcorp
Classification: Uncertain significance for DICER1-related tumor predisposition. Last evaluated: 2017-03-20. Review status: criteria provided, single submitter. Criteria: Invitae Variant Classification Sherloc (09022015). Collection method: clinical testing. Allele origin: germline.
Comment: In summary, this variant is a novel missense change with uncertain impact on protein function. It has been classified as a Variant of Uncertain Significance. Algorithms developed to predict the effect of missense changes on protein structure and function (SIFT, PolyPhen-2, Align-GVGD) all suggest that this variant is likely to be disruptive, but these predictions have not been confirmed by published functional studies. This variant is not present in population databases (ExAC no frequency) and has not been reported in the literature in individuals with a DICER1-related disease. This sequence change replaces alanine with threonine at codon 55 of the DICER1 protein (p.Ala55Thr). The alanine residue is highly conserved and there is a small physicochemical difference between alanine and threonine.